The following is an entry in ClinVar:

ClinVar aggregate classification (germline): Uncertain significance (1 of 4 stars; one submission).

Conditions:
GATA binding protein 1 related thrombocytopenia with dyserythropoiesis. Also called: GATA1-Related Cytopenia; GATA1-Related X-Linked Cytopenia. Identifiers: MedGen C1845837, MONDO:0100089.
Diamond-Blackfan anemia. Also called: Blackfan Diamond syndrome; Aregenerative anemia chronic congenital; Red cell aplasia, pure hereditary; Congenital hypoplastic anemia; Aase syndrome. Identifiers: Orphanet 124, MedGen C1260899, MeSH D029503, MONDO:0015253, HP:0004810.

Submission:

Labcorp Genetics (formerly Invitae), Labcorp
Classification: Uncertain significance for GATA binding protein 1 related thrombocytopenia with dyserythropoiesis; Diamond-Blackfan anemia. Last evaluated: 2022-10-05. Review status: criteria provided, single submitter. Criteria: Invitae Variant Classification Sherloc (09022015). Collection method: clinical testing. Allele origin: germline.
Comment: In summary, the available evidence is currently insufficient to determine the role of this variant in disease. Therefore, it has been classified as a Variant of Uncertain Significance. Advanced modeling of protein sequence and biophysical properties (such as structural, functional, and spatial information, amino acid conservation, physicochemical variation, residue mobility, and thermodynamic stability) performed at Invitae indicates that this missense variant is not expected to disrupt GATA1 protein function. This variant has not been reported in the literature in individuals affected with GATA1-related conditions. This variant is not present in population databases (gnomAD no frequency). This sequence change replaces lysine, which is basic and polar, with glutamine, which is neutral and polar, at codon 246 of the GATA1 protein (p.Lys246Gln).

NM_002049.4(GATA1):c.736A>C (p.Lys246Gln)

Gene: GATA1 (GATA binding protein 1; plus strand). Cytogenetic location: Xp11.23.
Variant type: single nucleotide variant.
Coding change: c.736A>C on transcript NM_002049.4 (MANE Select); coding-DNA position 736, A replaced by C.
Protein change: p.Lys246Gln; replaces lysine 246 with glutamine.
Molecular consequence: missense variant.
Genome position (GRCh38, 1-based): chrX:48,792,460, A>C. VCF-style: chrX-48792460-A-C. GRCh37 (hg19) VCF-style: chrX-48650867-A-C.
Other names: short protein forms K246Q.
Identifiers: ClinVar variation 1721037 (VCV001721037.6), dbSNP rs2519345185, ClinGen allele CA412871066.